The following is an entry in ClinVar:

NM_007078.3(LDB3):c.998C>T (p.Ser333Leu)

Gene: LDB3 (LIM domain binding 3; plus strand). Cytogenetic location: 10q23.2.
Variant type: single nucleotide variant.
Coding change: c.998C>T on transcript NM_007078.3 (MANE Select); coding-DNA position 998, C replaced by T.
Protein change: p.Ser333Leu; replaces serine 333 with leucine.
Molecular consequence: missense variant. On other transcripts: intron variant (4).
Genome position (GRCh38, 1-based): chr10:86,706,632, C>T. VCF-style: chr10-86706632-C-T. GRCh37 (hg19) VCF-style: chr10-88466389-C-T.
Other names: c.857C>T, p.Ser286Leu (NM_001368066.1); c.897-3273C>T (NM_001368064.1, NM_001368065.1); c.1101-3273C>T (NM_001171610.2); c.756-3273C>T (NM_001080114.2); short protein forms S333L, S286L.
Identifiers: ClinVar variation 968380 (VCV000968380.8), dbSNP rs1458557837, ClinGen allele CA377446960.

ClinVar aggregate classification (germline): Uncertain significance (1 of 4 stars; one submission).

Conditions:
Myofibrillar myopathy 4. Also called: Zaspopathy (type). Identifiers: Orphanet 98912, MedGen C4721886, MONDO:0012277, OMIM 609452.

Allele frequency attached by ClinVar (database versions not stated): gnomAD exomes below 0.00001; TOPMed below 0.00001.
gnomAD v4.1: 2 of 1,613,132 alleles (0.00012%); highest among the groups gnomAD compares: East Asian, 0.0022%; no homozygotes.

Submission:

Labcorp Genetics (formerly Invitae), Labcorp
Classification: Uncertain significance for Myofibrillar myopathy 4. Last evaluated: 2024-11-11. Review status: criteria provided, single submitter. Criteria: Invitae Variant Classification Sherloc (09022015). Collection method: clinical testing. Allele origin: germline.
Comment: The LDB3 gene has multiple clinically relevant transcripts. This variant occurs in alternate transcript NM_007078.3, and corresponds to NM_001080116.1:c.*7258C>T in the primary transcript. This sequence change replaces serine, which is neutral and polar, with leucine, which is neutral and non-polar, at codon 333 of the LDB3 protein (p.Ser333Leu). This variant is not present in population databases (gnomAD no frequency). This variant has not been reported in the literature in individuals affected with LDB3-related conditions. ClinVar contains an entry for this variant (Variation ID: 968380). Experimental studies and prediction algorithms are not available or were not evaluated, and the functional significance of this variant is currently unknown. In summary, the available evidence is currently insufficient to determine the role of this variant in disease. Therefore, it has been classified as a Variant of Uncertain Significance.